The following is an entry in ClinVar:

ClinVar aggregate classification (germline): Uncertain significance (1 of 4 stars; one submission).

Submission:

GeneDx
Classification: Uncertain significance. Last evaluated: 2026-03-28. Review status: criteria provided, single submitter. Criteria: GeneDx Variant Classification Process June 2021. Collection method: clinical testing. Allele origin: germline.
Comment: Not observed at significant frequency in large population cohorts (gnomAD); In silico analysis supports that this missense variant has a deleterious effect on protein structure/function; Has not been previously published as pathogenic or benign to our knowledge

NM_001273.5(CHD4):c.1765G>C (p.Gly589Arg)

Gene: CHD4 (chromodomain helicase DNA binding protein 4; minus strand). Cytogenetic location: 12p13.31.
Variant type: single nucleotide variant.
Coding change: c.1765G>C on transcript NM_001273.5 (MANE Select); coding-DNA position 1765, G replaced by C.
Protein change: p.Gly589Arg; replaces glycine 589 with arginine.
Molecular consequence: missense variant.
Genome position (GRCh38, 1-based): chr12:6,598,021, C>G on the plus strand (G>C on the coding strand, the complement: CHD4 is on the minus strand). VCF-style: chr12-6598021-C-G. GRCh37 (hg19) VCF-style: chr12-6707187-C-G.
Other names: c.1744G>C, p.Gly582Arg (NM_001297553.2); c.1726G>C, p.Gly576Arg (NM_001363606.2); short protein forms G576R, G582R, G589R.
Identifiers: ClinVar variation 5017815 (VCV005017815.1).